The following is an entry in ClinVar:

ClinVar aggregate classification (germline): Uncertain significance (1 of 4 stars; one submission).

Submission:

Clinical Genomics Laboratory, Laboratory for Precision Diagnostics, University of Washington
Classification: Uncertain significance. Last evaluated: 2017-04-27. Review status: criteria provided, single submitter. Criteria: Clinical Cytogenomics Laboratory Policy on CNV Interpretation. Collection method: clinical testing. Allele origin: unknown. Affected: yes. Observed: 1 variant allele.

GRCh37/hg19 11q25(chr11:133923605-134934063)x3

Genes: B3GAT1 (beta-1,3-glucuronyltransferase 1; minus strand), ACAD8 (acyl-CoA dehydrogenase family member 8; plus strand), GLB1L2 (galactosidase beta 1 like 2; plus strand), GLB1L3 (galactosidase beta 1 like 3; plus strand), JAM3 (junctional adhesion molecule 3; plus strand) and 4 more. Cytogenetic location: 11q25.
Variant type: copy number gain.
Change: copy number 3 (three copies instead of two) of chr11:133,923,605-134,934,063 (1.01 Mb, GRCh37 coordinates, 1-based), cytogenetic band 11q25.
Identifiers: ClinVar variation 446335 (VCV000446335.4).